The following is an entry in ClinVar:

ClinVar aggregate classification (germline): Uncertain significance (1 of 4 stars; one submission).

Conditions:
Hereditary cancer-predisposing syndrome. Also called: Neoplastic Syndromes, Hereditary; Hereditary Cancer Syndrome; Tumor predisposition; Hereditary neoplastic syndrome. Identifiers: Orphanet 140162, MedGen C0027672, MeSH D009386, MONDO:0015356.

Submission:

Color Diagnostics, LLC DBA Color Health
Classification: Uncertain significance for Hereditary cancer-predisposing syndrome. Last evaluated: 2023-12-04. Review status: criteria provided, single submitter. Criteria: ACMG Guidelines, 2015. Collection method: clinical testing. Allele origin: germline.
Comment: This missense variant replaces alanine with proline at codon 630 of the APC protein. Computational prediction is inconclusive regarding the impact of this variant on protein structure and function (internally defined REVEL score threshold 0.5 < inconclusive < 0.7, PMID: 27666373). To our knowledge, functional studies have not been reported for this variant. This variant has not been reported in individuals affected with APC-related disorders in the literature. This variant has not been identified in the general population by the Genome Aggregation Database (gnomAD). The available evidence is insufficient to determine the role of this variant in disease conclusively. Therefore, this variant is classified as a Variant of Uncertain Significance.

NM_000038.6(APC):c.1888G>C (p.Ala630Pro)

Gene: APC (APC regulator of Wnt signaling pathway; plus strand). Cytogenetic location: 5q22.2.
Variant type: single nucleotide variant.
Coding change: c.1888G>C on transcript NM_000038.6 (MANE Select); coding-DNA position 1888, G replaced by C.
Protein change: p.Ala630Pro; replaces alanine 630 with proline.
Molecular consequence: missense variant.
Genome position (GRCh38, 1-based): chr5:112,835,095, G>C. VCF-style: chr5-112835095-G-C. GRCh37 (hg19) VCF-style: chr5-112170792-G-C.
Other names: c.1888G>C, p.Ala630Pro (NM_001127510.3, NM_001354895.2); c.1834G>C, p.Ala612Pro (NM_001127511.3); c.1942G>C, p.Ala648Pro (NM_001354896.2); c.1918G>C, p.Ala640Pro (NM_001354897.2); c.1813G>C, p.Ala605Pro (NM_001354898.2); c.1804G>C, p.Ala602Pro (NM_001354899.2); c.1765G>C, p.Ala589Pro (NM_001354900.2); c.1711G>C, p.Ala571Pro (NM_001354901.2); and 5 more; short protein forms A529P, A539P, A470P, A571P, A602P, A640P, A648P, A504P.
Identifiers: ClinVar variation 927589 (VCV000927589.4), dbSNP rs1764727939, ClinGen allele CA16025447.